The following is an entry in ClinVar:

NM_016604.4(KDM3B):c.2916G>A (p.Trp972Ter)

Gene: KDM3B (lysine demethylase 3B; plus strand). Cytogenetic location: 5q31.2.
Variant type: single nucleotide variant.
Coding change: c.2916G>A on transcript NM_016604.4 (MANE Select); coding-DNA position 2916, G replaced by A.
Protein change: p.Trp972Ter; replaces tryptophan 972 with a stop codon.
Molecular consequence: nonsense.
Genome position (GRCh38, 1-based): chr5:138,398,262, G>A. VCF-style: chr5-138398262-G-A. GRCh37 (hg19) VCF-style: chr5-137733951-G-A.
Other names: short protein forms W972*.
Identifiers: ClinVar variation 2444396 (VCV002444396.1), dbSNP rs2480231295, ClinGen allele CA361079502.

ClinVar aggregate classification (germline): Likely pathogenic (1 of 4 stars; one submission).

Conditions:
Diets-Jongmans syndrome. Also called: INTELLECTUAL DEVELOPMENTAL DISORDER WITH DISTINCTIVE FACIAL DYSMORPHISM. Identifiers: MedGen C5394263, MONDO:0030012, OMIM 618846.

Submission:

3billion
Classification: Likely pathogenic for Diets-Jongmans syndrome. Last evaluated: 2023-02-23. Review status: criteria provided, single submitter. Criteria: ACMG Guidelines, 2015. Collection method: clinical testing. Allele origin: unknown. Affected: yes.
Comment: The variant is not observed in the gnomAD v2.1.1 dataset. This variant was predicted to result in a loss or disruption of normal protein function through nonsense-mediated decay (NMD) or protein truncation. Multiple pathogenic variants are reported downstream of the variant. Therefore, this variant is classified as Likely pathogenic according to the recommendation of ACMG/AMP guideline.